The following is an entry in ClinVar:

NM_020911.2(PLXNA4):c.1621C>A (p.Arg541=)

Gene: PLXNA4 (plexin A4; minus strand). Cytogenetic location: 7q32.3.
Variant type: single nucleotide variant.
Coding change: c.1621C>A on transcript NM_020911.2 (MANE Select); coding-DNA position 1621, C replaced by A.
Protein change: p.Arg541=; no amino-acid change (arginine 541 retained).
Molecular consequence: synonymous variant.
Genome position (GRCh38, 1-based): chr7:132,228,453, G>T on the plus strand (C>A on the coding strand, the complement: PLXNA4 is on the minus strand). VCF-style: chr7-132228453-G-T. GRCh37 (hg19) VCF-style: chr7-131913212-G-T.
Other names: c.1621C>A, p.Arg541= (NM_001393897.1).
Identifiers: ClinVar variation 4988041 (VCV004988041.1).

ClinVar aggregate classification (germline): Likely benign (1 of 4 stars; one submission).

Conditions:
PLXNA4-related disorder. Also called: PLXNA4-related condition.

Submission:

PreventionGenetics, part of Exact Sciences
Classification: Likely benign for PLXNA4-related condition. Last evaluated: 2025-11-06. Review status: criteria provided, single submitter. Criteria: ACMG Guidelines, 2015. Collection method: clinical testing. Allele origin: germline.
Comment: This variant is classified as likely benign based on ACMG/AMP sequence variant interpretation guidelines (Richards et al. 2015 PMID: 25741868, with internal and published modifications).